The following is an entry in ClinVar:

NM_007294.4(BRCA1):c.135-332C>T

Gene: BRCA1 (BRCA1 DNA repair associated; minus strand). Cytogenetic location: 17q21.31.
Variant type: single nucleotide variant.
Coding change: c.135-332C>T on transcript NM_007294.4 (MANE Select); 332 bases into the intron before coding-DNA position 135, C replaced by T.
Molecular consequence: intron variant.
Genome position (GRCh38, 1-based): chr17:43,106,865, G>A on the plus strand (C>T on the coding strand, the complement: BRCA1 is on the minus strand). VCF-style: chr17-43106865-G-A. GRCh37 (hg19) VCF-style: chr17-41258882-G-A.
Other names: c.-7-332C>T (NM_001408458.1, NM_001407931.1, NM_001407747.1 and 99 more transcripts); c.-218-12005C>T (NM_001407967.1, NM_001407966.1); c.-169-1909C>T (NM_001407959.1, NM_001407962.1, NM_001408512.1 and 4 more transcripts); c.-54-332C>T (NM_001407885.1, NM_001407886.1, NM_001407898.1 and 58 more transcripts); c.135-332C>T (NM_001407686.1, NM_001408397.1, NM_001407632.1 and 167 more transcripts); c.81-1909C>T (NM_001408451.1); c.135-1909C>T (NM_001408475.1, NM_001407875.1, NM_001407659.1 and 21 more transcripts).
Identifiers: ClinVar variation 264831 (VCV000264831.2), dbSNP rs186268206, ClinGen allele CA10588240.

ClinVar aggregate classification (germline): Benign (3 of 4 stars; one submission).

Conditions:
Breast-ovarian cancer, familial, susceptibility to, 1 (BROVCA1). Also called: BRCA1 Hereditary Breast and Ovarian Cancer; OVARIAN CANCER, SUSCEPTIBILITY TO. Identifiers: Orphanet 145, MedGen C2676676, MONDO:0011450, OMIM 604370. Disease mechanism: loss of function.

Allele frequency attached by ClinVar (database versions not stated): gnomAD 0.00031 and 0.00032; TOPMed 0.00069; 1000 Genomes Project 30x 0.00125; 1000 Genomes Project 0.00140.
gnomAD v4.1: 50 of 152,036 alleles (0.033%); highest among the groups gnomAD compares: Admixed American, 0.28%; 1 homozygote.

Submission:

Evidence-based Network for the Interpretation of Germline Mutant Alleles (ENIGMA)
Classification: Benign for Breast-ovarian cancer, familial, susceptibility to, 1. Last evaluated: 2016-09-28. Review status: reviewed by expert panel. Criteria: ENIGMA BRCA1/2 Classification Criteria (2015). Collection method: curation. Allele origin: germline.
Comment: Class 1 not pathogenic based on frequency >1% in an outbred sampleset. Frequency 0.0101 (Admixed American/Latino), derived from 1000 genomes (2013-05-02).